The following is an entry in ClinVar:

ClinVar aggregate classification (germline): Uncertain significance (1 of 4 stars; one submission).

Conditions:
Inborn genetic diseases. Identifiers: MedGen C0950123, MeSH D030342.

Submission:

Ambry Genetics
Classification: Uncertain significance for Inborn genetic diseases. Last evaluated: 2024-06-05. Review status: criteria provided, single submitter. Criteria: Ambry Variant Classification Scheme 2023. Collection method: clinical testing. Allele origin: germline.
Comment: The p.F940L variant (also known as c.2818T>C), located in coding exon 22 of the LRRK2 gene, results from a T to C substitution at nucleotide position 2818. The phenylalanine at codon 940 is replaced by leucine, an amino acid with highly similar properties. This amino acid position is conserved. In addition, this alteration is predicted to be tolerated by in silico analysis. Based on the available evidence, the clinical significance of this variant remains unclear.

NM_198578.4(LRRK2):c.2818T>C (p.Phe940Leu)

Gene: LRRK2 (leucine rich repeat kinase 2; plus strand). Cytogenetic location: 12q12.
Variant type: single nucleotide variant.
Coding change: c.2818T>C on transcript NM_198578.4 (MANE Select); coding-DNA position 2818, T replaced by C.
Protein change: p.Phe940Leu; replaces phenylalanine 940 with leucine.
Molecular consequence: missense variant.
Genome position (GRCh38, 1-based): chr12:40,294,854, T>C. VCF-style: chr12-40294854-T-C. GRCh37 (hg19) VCF-style: chr12-40688656-T-C.
Other names: short protein forms F940L.
Identifiers: ClinVar variation 3292055 (VCV003292055.1).
Genomic context (GRCh38, chr12:40,294,854, plus strand): 5'-CCTCTTCTCCAATAAATGACAGCAATTTTATTATAAATTATTTTTTAATAGGGGCCCATT[T>C]TTGATCATGAAGATTTACTGAAGCGAAAAAGAAAAATATTATCTTCAGATGATTCACTCA-3'
Protein context (NP_940980.4, residues 930-950): QRHSNSLGPI[Phe940Leu]DHEDLLKRKR